The following is an entry in ClinVar:

NM_003783.3(B3GALT2):c.153C>T (p.Gly51=)

Genes: B3GALT2 (beta-1,3-galactosyltransferase 2; minus strand), CDC73 (cell division cycle 73; plus strand). Cytogenetic location: 1q31.2.
Variant type: single nucleotide variant.
Coding change: c.153C>T on transcript NM_003783.3 (MANE Select); coding-DNA position 153, C replaced by T.
Protein change: p.Gly51=; no amino-acid change (glycine 51 retained).
Molecular consequence: synonymous variant. On other transcripts: intron variant (1).
Genome position (GRCh38, 1-based): chr1:193,181,410, G>A on the plus strand (C>T on the coding strand, the complement: B3GALT2 is on the minus strand). VCF-style: chr1-193181410-G-A. GRCh37 (hg19) VCF-style: chr1-193150540-G-A.
Other names: c.973-22385G>A (NM_024529.5).
Identifiers: ClinVar variation 3257704 (VCV003257704.17).

ClinVar aggregate classification (germline): Likely benign (1 of 4 stars; one submission).

gnomAD v4.1: 530 of 1,613,926 alleles (0.033%); highest among the groups gnomAD compares: Non-Finnish European, 0.042%; no homozygotes.

Submission:

CeGaT Center for Human Genetics Tuebingen
Classification: Likely benign. Last evaluated: 2024-07-01. Review status: criteria provided, single submitter. Criteria: CeGaT Center For Human Genetics Tuebingen Variant Classification Criteria Version 2. Collection method: clinical testing. Allele origin: germline. Affected: yes. Observed: 1 variant allele.
Comment: B3GALT2: BP4, BP7